The following is an entry in ClinVar:

NM_001110556.2(FLNA):c.3094C>T (p.Arg1032Cys)

Gene: FLNA (filamin A; minus strand). Cytogenetic location: Xq28.
Variant type: single nucleotide variant.
Coding change: c.3094C>T on transcript NM_001110556.2 (MANE Select); coding-DNA position 3094, C replaced by T.
Protein change: p.Arg1032Cys; replaces arginine 1032 with cysteine.
Molecular consequence: missense variant.
Genome position (GRCh38, 1-based): chrX:154,361,421, G>A on the plus strand (C>T on the coding strand, the complement: FLNA is on the minus strand). VCF-style: chrX-154361421-G-A. GRCh37 (hg19) VCF-style: chrX-153589789-G-A.
Other names: c.3094C>T, p.Arg1032Cys (NM_001456.4); short protein forms R1032C.
Identifiers: ClinVar variation 547382 (VCV000547382.16), dbSNP rs782546714, ClinGen allele CA10560780.

ClinVar aggregate classification (germline): Conflicting classifications of pathogenicity. Review status: criteria provided, conflicting classifications (1 of 4 stars). 4 submissions from 4 submitters: Uncertain significance (1); Likely benign (3). Last evaluated 2026-07-01.

Conditions:
Frontometaphyseal dysplasia (FMD1). Identifiers: Orphanet 1826, MedGen C0265293, MONDO:0015942.
Melnick-Needles syndrome (MNS). Also called: Melnick-Needles Syndrome (FLNA-MNS); MELNICK-NEEDLES OSTEODYSPLASTY; OSTEODYSPLASTY OF MELNICK AND NEEDLES. Identifiers: Orphanet 2484, MedGen C0025237, MONDO:0010650, OMIM 309350.
Oto-palato-digital syndrome, type II (OPD2). Also called: Otopalatodigital Syndrome Type 2 (FLNA-OPD2); FACIOPALATOOSSEOUS SYNDROME; OPD II SYNDROME; Otopalatodigital Syndrome, Type II. Identifiers: Orphanet 669, Orphanet 90652, MedGen C1844696, MONDO:0010571, OMIM 304120.
Heterotopia, periventricular, X-linked dominant (PVNH1). Also called: PERIVENTRICULAR NODULAR HETEROTOPIA 4; HETEROTOPIA, PERIVENTRICULAR, 1; X-linked periventricular heterotopia; PERIVENTRICULAR NODULAR HETEROTOPIA 1. Identifiers: Orphanet 2149, Orphanet 82004, MedGen C1848213, MONDO:0010233, OMIM 300049.
Connective tissue disorder. Also called: Connective tissue disease. Identifiers: MedGen C0009782, MONDO:0003900.

Allele frequency attached by ClinVar (database versions not stated): gnomAD exomes 0.00002 and 0.00003; ExAC 0.00003; TOPMed 0.00004; gnomAD 0.00006.
gnomAD v4.1: 36 of 1,208,646 alleles (0.003%); highest among the groups gnomAD compares: Non-Finnish European, 0.0038%; no homozygotes.

Submissions (4):

CeGaT Center for Human Genetics Tuebingen
Classification: Likely benign. Last evaluated: 2026-07-01. Review status: criteria provided, single submitter. Criteria: CeGaT Center For Human Genetics Tuebingen Variant Classification Criteria Version 2. Collection method: clinical testing. Allele origin: germline. Affected: yes. Observed: 1 variant allele.
Comment: FLNA: BS2

GeneDx
Classification: Uncertain significance. Last evaluated: 2026-01-05. Review status: criteria provided, single submitter. Criteria: GeneDx Variant Classification Process June 2021. Collection method: clinical testing. Allele origin: germline. Affected: yes.
Comment: In silico analysis supports that this missense variant has a deleterious effect on protein structure/function; This variant is associated with the following publications: (PMID: 30986657)

Labcorp Genetics (formerly Invitae), Labcorp
Classification: Likely benign for Oto-palato-digital syndrome, type II; Heterotopia, periventricular, X-linked dominant; Frontometaphyseal dysplasia; Melnick-Needles syndrome. Last evaluated: 2025-12-13. Review status: criteria provided, single submitter. Criteria: Invitae Variant Classification Sherloc (09022015). Collection method: clinical testing. Allele origin: germline.

Center for Human Genetics, Inc
Classification: Likely benign for Connective tissue disorder. Last evaluated: 2016-11-01. Review status: criteria provided, single submitter. Criteria: ACMG Guidelines, 2015. Collection method: clinical testing. Allele origin: germline. Affected: yes.